The following is an entry in ClinVar:

ClinVar aggregate classification (germline): Likely benign (0 of 4 stars; one submission).

Conditions:
IFT172-related disorder. Also called: IFT172-related disorders; IFT172-related condition.

Allele frequency attached by ClinVar (database versions not stated): gnomAD exomes below 0.00001; TOPMed below 0.00001; gnomAD 0.00002.

Submission:

PreventionGenetics, part of Exact Sciences
Classification: Likely benign for IFT172-related condition. Last evaluated: 2023-11-03. Review status: no assertion criteria provided. Collection method: clinical testing. Allele origin: germline.
Comment: This variant is classified as likely benign based on ACMG/AMP sequence variant interpretation guidelines (Richards et al. 2015 PMID: 25741868, with internal and published modifications).

NM_015662.3(IFT172):c.3530+9C>A

Genes: IFT172 (intraflagellar transport 172; minus strand), LOC126806173 (BRD4-independent group 4 enhancer GRCh37_chr2:27676057-27677256; plus strand). Cytogenetic location: 2p23.3.
Variant type: single nucleotide variant.
Coding change: c.3530+9C>A on transcript NM_015662.3 (MANE Select); 9 bases into the intron after coding-DNA position 3530, C replaced by A.
Molecular consequence: intron variant.
Genome position (GRCh38, 1-based): chr2:27,454,345, G>T on the plus strand (C>A on the coding strand, the complement: IFT172 is on the minus strand). VCF-style: chr2-27454345-G-T. GRCh37 (hg19) VCF-style: chr2-27677212-G-T.
Other names: c.3464+9C>A (NM_001410739.1).
Identifiers: ClinVar variation 3060245 (VCV003060245.2), dbSNP rs1295174435, ClinGen allele CA767399379.
Genomic context (GRCh38, chr2:27,454,345, plus strand): 5'-AGATAATCATGAAAGATCCTGGGACGGTGACTGGGGAAACAGTATTAAGGAATGTATGGG[G>T]TAACTCACATGAGGACTGCCTCCTTGGGTTTACCAGCTCTGATGAATTCAGCTTCAGCCT-3'